The following is an entry in ClinVar:

ClinVar aggregate classification (germline): Uncertain significance (1 of 4 stars; one submission).

Submission:

GeneDx
Classification: Uncertain significance. Last evaluated: 2024-10-03. Review status: criteria provided, single submitter. Criteria: GeneDx Variant Classification Process June 2021. Collection method: clinical testing. Allele origin: germline. Affected: yes.
Comment: Not observed at significant frequency in large population cohorts (gnomAD); In silico analysis supports that this missense variant has a deleterious effect on protein structure/function; Has not been previously published as pathogenic or benign to our knowledge

NM_006885.4(ZFHX3):c.4181C>T (p.Ser1394Leu)

Genes: ZFHX3 (zinc finger homeobox 3; minus strand), ZFHX3-AS1 (ZFHX3 antisense RNA 1; plus strand). Cytogenetic location: 16q22.2.
Variant type: single nucleotide variant.
Coding change: c.4181C>T on transcript NM_006885.4 (MANE Select); coding-DNA position 4181, C replaced by T.
Protein change: p.Ser1394Leu; replaces serine 1394 with leucine.
Molecular consequence: missense variant.
Genome position (GRCh38, 1-based): chr16:72,798,501, G>A on the plus strand (C>T on the coding strand, the complement: ZFHX3 is on the minus strand). VCF-style: chr16-72798501-G-A. GRCh37 (hg19) VCF-style: chr16-72832400-G-A.
Other names: c.1439C>T, p.Ser480Leu (NM_001164766.2); c.4181C>T, p.Ser1394Leu (NM_001386735.1); short protein forms S1394L, S480L.
Identifiers: ClinVar variation 3776711 (VCV003776711.1).